The following is an entry in ClinVar:

NM_014727.3(KMT2B):c.6841G>T (p.Val2281Leu)

Gene: KMT2B (lysine methyltransferase 2B; plus strand). Cytogenetic location: 19q13.12.
Variant type: single nucleotide variant.
Coding change: c.6841G>T on transcript NM_014727.3 (MANE Select); coding-DNA position 6841, G replaced by T.
Protein change: p.Val2281Leu; replaces valine 2281 with leucine.
Molecular consequence: missense variant.
Genome position (GRCh38, 1-based): chr19:35,733,390, G>T. VCF-style: chr19-35733390-G-T. GRCh37 (hg19) VCF-style: chr19-36224291-G-T.
Other names: short protein forms V2281L.
Identifiers: ClinVar variation 4873404 (VCV004873404.2).

ClinVar aggregate classification (germline): Uncertain significance (1 of 4 stars; one submission).

gnomAD v4.1: 7 of 1,550,086 alleles (0.00045%); highest among the groups gnomAD compares: Non-Finnish European, 0.00061%; no homozygotes.

Submission:

CeGaT Center for Human Genetics Tuebingen
Classification: Uncertain significance. Last evaluated: 2026-04-01. Review status: criteria provided, single submitter. Criteria: CeGaT Center For Human Genetics Tuebingen Variant Classification Criteria Version 2. Collection method: clinical testing. Allele origin: germline. Affected: yes. Observed: 2 variant alleles.
Comment: KMT2B: PM2, PP3